The following is an entry in ClinVar:

ClinVar aggregate classification (germline): Uncertain significance (1 of 4 stars; one submission).

Conditions:
Renal cell carcinoma (RCCP1). Identifiers: Orphanet 217071, MedGen C0007134, MeSH D002292, MONDO:0005086, HP:0005584.

Submission:

Labcorp Genetics (formerly Invitae), Labcorp
Classification: Uncertain significance for Renal cell carcinoma. Last evaluated: 2022-12-23. Review status: criteria provided, single submitter. Criteria: Invitae Variant Classification Sherloc (09022015). Collection method: clinical testing. Allele origin: germline.
Comment: This variant is not present in population databases (gnomAD no frequency). This sequence change replaces leucine, which is neutral and non-polar, with proline, which is neutral and non-polar, at codon 1320 of the MET protein (p.Leu1320Pro). This variant has not been reported in the literature in individuals affected with MET-related conditions. In summary, the available evidence is currently insufficient to determine the role of this variant in disease. Therefore, it has been classified as a Variant of Uncertain Significance. Advanced modeling of protein sequence and biophysical properties (such as structural, functional, and spatial information, amino acid conservation, physicochemical variation, residue mobility, and thermodynamic stability) performed at Invitae indicates that this missense variant is expected to disrupt MET protein function. ClinVar contains an entry for this variant (Variation ID: 1353922).

NM_000245.4(MET):c.3905T>C (p.Leu1302Pro)

Gene: MET (MET proto-oncogene, receptor tyrosine kinase; plus strand). Cytogenetic location: 7q31.2.
Variant type: single nucleotide variant.
Coding change: c.3905T>C on transcript NM_000245.4 (MANE Select); coding-DNA position 3905, T replaced by C.
Protein change: p.Leu1302Pro; replaces leucine 1302 with proline.
Molecular consequence: missense variant.
Genome position (GRCh38, 1-based): chr7:116,795,761, T>C. VCF-style: chr7-116795761-T-C. GRCh37 (hg19) VCF-style: chr7-116435815-T-C.
Other names: c.3959T>C, p.Leu1320Pro (NM_001127500.3); c.2615T>C, p.Leu872Pro (NM_001324402.2); short protein forms L1302P, L1320P, L872P.
Identifiers: ClinVar variation 1353922 (VCV001353922.4), dbSNP rs2117108825, ClinGen allele CA369117957.